The following is an entry in ClinVar:

ClinVar aggregate classification (germline): Likely pathogenic (1 of 4 stars; one submission).

Conditions:
Usher syndrome type 3. Also called: Usher Syndrome, Type III. Identifiers: Orphanet 231183, MedGen C1568248, MONDO:0016485.

Submission:

Natera, Inc.
Classification: Likely pathogenic for Usher syndrome type 3. Last evaluated: 2024-04-17. Review status: criteria provided, single submitter. Criteria: Natera Variant Classification Schema (03/2026). Collection method: clinical testing. Allele origin: germline.
Comment: The c.438delC variant in CLRN1 is a frameshift variant predicted to shift the reading frame beginning at codon 147 and leads to a stop codon 6 codons downstream. This variant is expected to result in nonsense mediated decay, truncation, or a dysfunctional protein product. This variant is rare in the general population with a frequency below the threshold expected for the associated phenotype(s). Given the available evidence, this variant is classified as Likely Pathogenic.

NM_174878.3(CLRN1):c.438del (p.Cys147fs)

Gene: CLRN1 (clarin 1; minus strand). Cytogenetic location: 3q25.1.
Variant type: Deletion.
Coding change: c.438del on transcript NM_174878.3 (MANE Select); coding-DNA position 438, one base deleted (C; older notation c.438delC).
Protein change: p.Cys147fs; shifts the reading frame from cysteine 147.
Molecular consequence: frameshift variant. On other transcripts: 3 prime UTR variant (1), non-coding transcript variant (1).
Genome position (GRCh38, 1-based): chr3:150,928,197, G deleted on the plus strand (C on the coding strand, the reverse complement: CLRN1 is on the minus strand); the first of 2 consecutive G bases (chr3:150,928,197-150,928,198); deleting either gives the same sequence. VCF-style (leftmost placement, unchanged base first): chr3-150928196-AG-A. GRCh37 (hg19) VCF-style: chr3-150645983-AG-A.
Other names: c.477del, p.Cys160fs (NM_001195794.1); c.*52del (NM_001256819.2); c.210del, p.Cys71fs (NM_052995.2); short protein forms C147fs, C160fs, C71fs.
Identifiers: ClinVar variation 4816964 (VCV004816964.1).